The following is an entry in ClinVar:

ClinVar aggregate classification (germline): Uncertain significance (1 of 4 stars; one submission).

Conditions:
Lynch syndrome. Identifiers: Orphanet 144, MedGen C4552100, MONDO:0005835. Disease mechanism: loss of function.

Submission:

All of Us Research Program, National Institutes of Health
Classification: Uncertain significance for Lynch syndrome. Last evaluated: 2023-12-18. Review status: criteria provided, single submitter. Criteria: ACMG Guidelines, 2015. Collection method: clinical testing. Allele origin: germline. Inheritance: Autosomal dominant inheritance. Observed: 1 variant allele, 1 heterozygote.
Comment: This missense variant replaces aspartic acid with asparagine at codon 667 of the MSH6 protein. Computational prediction is inconclusive regarding the impact of this variant on protein structure and function (internally defined REVEL score threshold 0.5 < inconclusive < 0.7, PMID: 27666373). To our knowledge, functional studies have not been reported for this variant. This variant has not been reported in individuals affected with MSH6-related disorders in the literature. This variant has not been identified in the general population by the Genome Aggregation Database (gnomAD). The available evidence is insufficient to determine the role of this variant in disease conclusively. Therefore, this variant is classified as a Variant of Uncertain Significance.

This study involves interpretation of variants in research participants for the purpose of population health screening. Participant phenotype was not available at the time of variant classification. Additional details can be found in publication PMID: 35346344, PMCID: PMC8962531

NM_000179.3(MSH6):c.1999G>A (p.Asp667Asn)

Gene: MSH6 (mutS homolog 6; plus strand). Cytogenetic location: 2p16.3.
Variant type: single nucleotide variant.
Coding change: c.1999G>A on transcript NM_000179.3 (MANE Select); coding-DNA position 1999, G replaced by A.
Protein change: p.Asp667Asn; replaces aspartic acid 667 with asparagine.
Molecular consequence: missense variant. On other transcripts: non-coding transcript variant (5), intron variant (2).
Genome position (GRCh38, 1-based): chr2:47,799,982, G>A. VCF-style: chr2-47799982-G-A. GRCh37 (hg19) VCF-style: chr2-48027121-G-A.
Other names: c.1609G>A, p.Asp537Asn (NM_001281492.2); c.1093G>A, p.Asp365Asn (NM_001281493.2, NM_001281494.2, NM_001406811.1 and 6 more transcripts); c.2095G>A, p.Asp699Asn (NM_001406795.1, NM_001406802.1); c.1999G>A, p.Asp667Asn (NM_001406796.1, NM_001406798.1, NM_001406800.1 and 3 more transcripts); c.1702G>A, p.Asp568Asn (NM_001406797.1, NM_001406801.1, NM_001406805.1 and 10 more transcripts); c.1474G>A, p.Asp492Asn (NM_001406799.1, NM_001406806.1, NM_001406807.1); c.1921G>A, p.Asp641Asn (NM_001406804.1); c.2005G>A, p.Asp669Asn (NM_001406813.1); and 3 more; short protein forms D365N, D492N, D537N, D568N, D611N, D641N, D667N, D669N.
Identifiers: ClinVar variation 3075039 (VCV003075039.1), dbSNP rs151086192, ClinGen allele CA346750661.